The following is an entry in ClinVar:

NM_018127.7(ELAC2):c.460T>C (p.Phe154Leu)

Gene: ELAC2 (elaC ribonuclease Z 2; minus strand). Cytogenetic location: 17p12.
Variant type: single nucleotide variant.
Coding change: c.460T>C on transcript NM_018127.7 (MANE Select); coding-DNA position 460, T replaced by C.
Protein change: p.Phe154Leu; replaces phenylalanine 154 with leucine.
Molecular consequence: missense variant.
Genome position (GRCh38, 1-based): chr17:13,014,469, A>G on the plus strand (T>C on the coding strand, the complement: ELAC2 is on the minus strand). VCF-style: chr17-13014469-A-G. GRCh37 (hg19) VCF-style: chr17-12917786-A-G.
Other names: F135L; F60L; c.460T>C, p.Phe154Leu (NM_001165962.2, NM_173717.2); short protein forms F154L.
Identifiers: ClinVar variation 66037 (VCV000066037.18), dbSNP rs397515465, ClinGen allele CA144837.

ClinVar aggregate classification (germline): Pathogenic. Review status: criteria provided, multiple submitters, no conflicts (2 of 4 stars). 9 submissions from 9 submitters: Pathogenic (7). 2 of the submissions do not count toward it. Last evaluated 2025-11-17.

Conditions:
Prostate cancer, hereditary, 2, susceptibility to.
ELAC2-related disorders.
Combined oxidative phosphorylation defect type 17. Also called: Combined oxidative phosphorylation deficiency 17. Identifiers: Orphanet 369913, MedGen C3809526, MONDO:0014190, OMIM 615440.

Allele frequency attached by ClinVar (database versions not stated): gnomAD exomes below 0.00001; ExAC 0.00001.

Submissions (9):

3billion
Classification: Pathogenic for Combined oxidative phosphorylation defect type 17. Last evaluated: 2025-11-17. Review status: criteria provided, single submitter. Criteria: ACMG Guidelines, 2015. Collection method: clinical testing. Allele origin: germline. Affected: yes.
Comment: The variant is observed at an extremely low frequency in the gnomAD v4.1.0 dataset (total allele frequency: <0.001%). Predicted Consequence/Location: Missense variant. The majority of the known disease-causing variants of this gene are variants expected to result in premature termination of the protein. Functional studies provide strong evidence of the variant having a damaging effect on the gene or gene product (PMID: 31045291). In silico tool predictions suggest damaging effect of the variant on gene or gene product [3Cnet: 0.90 (> 0.75, sensitivity 0.96 and precision 0.92)]. The same nucleotide change resulting in the same amino acid change has been previously reported as pathogenic/likely pathogenic with strong evidence (ClinVar ID: VCV000066037 /PMID: 23849775). The variant has been reported to be in trans with a pathogenic variant as either compound heterozygous or homozygous in at least one similarly affected unrelated individual (PMID: 23849775, 31045291). Therefore, this variant is classified as Pathogenic according to the recommendation of ACMG/AMP guideline.

Revvity Omics, Revvity
Classification: Pathogenic for Combined oxidative phosphorylation defect type 17. Last evaluated: 2025-04-14. Review status: criteria provided, single submitter. Criteria: ACMG Guidelines, 2015. Collection method: clinical testing. Allele origin: germline.

Genomic Medicine Center of Excellence, King Faisal Specialist Hospital and Research Centre
Classification: Pathogenic for Prostate cancer, hereditary, 2, susceptibility to. Last evaluated: 2024-03-14. Review status: criteria provided, single submitter. Criteria: ACMG Guidelines, 2015. Collection method: clinical testing. Allele origin: germline.

Centre for Inherited Metabolic Diseases, Karolinska University Hospital
Classification: Pathogenic for Combined oxidative phosphorylation defect type 17. Last evaluated: 2024-03-11. Review status: criteria provided, single submitter. Criteria: ACMG Guidelines, 2015. Collection method: clinical testing. Allele origin: inherited. Inheritance: Autosomal recessive inheritance. Affected: yes. Observed: 1 homozygote.

Pediatric/Medical Genetics, Ministry of Health, Qatif Central Hospital
Classification: Pathogenic for Combined oxidative phosphorylation defect type 17. Last evaluated: 2022-12-21. Review status: criteria provided, single submitter. Criteria: ACMG Guidelines, 2015. Collection method: clinical testing. Allele origin: germline. Inheritance: Autosomal recessive inheritance. Affected: yes. Observed: 1 homozygote.

Labcorp Genetics (formerly Invitae), Labcorp
Classification: Pathogenic for Combined oxidative phosphorylation defect type 17. Last evaluated: 2022-09-03. Review status: criteria provided, single submitter. Criteria: Invitae Variant Classification Sherloc (09022015). Collection method: clinical testing. Allele origin: germline.
Comment: For these reasons, this variant has been classified as Pathogenic. Experimental studies have shown that this missense change affects ELAC2 function (PMID: 23849775, 31045291). Algorithms developed to predict the effect of missense changes on protein structure and function are either unavailable or do not agree on the potential impact of this missense change (SIFT: "Deleterious"; PolyPhen-2: "Probably Damaging"; Align-GVGD: "Class C0"). ClinVar contains an entry for this variant (Variation ID: 66037). This missense change has been observed in individuals with ELAC2-related conditions (PMID: 23849775, 28441660, 28454995, 31045291, 32870709). This variant is present in population databases (rs397515465, gnomAD 0.0009%). This sequence change replaces phenylalanine, which is neutral and non-polar, with leucine, which is neutral and non-polar, at codon 154 of the ELAC2 protein (p.Phe154Leu).

Blueprint Genetics
Classification: Pathogenic for ELAC2-related disorders. Last evaluated: 2021-04-16. Review status: criteria provided, single submitter. Criteria: ACMG Guidelines, 2015. Collection method: clinical testing. Allele origin: germline. Affected: yes. Observed: 2 variant alleles.

Biochemical Molecular Genetic Laboratory, King Abdulaziz Medical City
Classification: Pathogenic for Combined oxidative phosphorylation defect type 17. Last evaluated: 2019-08-25. Review status: no assertion criteria provided. Collection method: clinical testing. Allele origin: germline. Affected: yes. Not counted in ClinVar's aggregate classification.

OMIM
Classification: Pathogenic for COMBINED OXIDATIVE PHOSPHORYLATION DEFICIENCY 17. Last evaluated: 2013-08-08. Review status: no assertion criteria provided. Collection method: literature only. Allele origin: germline. Not counted in ClinVar's aggregate classification.

Literature cited by the submitters: PubMed 23849775 (cited by 3 submitters); PubMed 31045291 (cited by 3billion and Labcorp Genetics (formerly Invitae), Labcorp); PubMed 28441660 (cited by Labcorp Genetics (formerly Invitae), Labcorp); PubMed 28454995 (cited by Labcorp Genetics (formerly Invitae), Labcorp); PubMed 32870709 (cited by Labcorp Genetics (formerly Invitae), Labcorp).